The following is an entry in ClinVar:

NM_001005271.3(CHD3):c.222GCC[4] (p.Pro80_Pro82del)

Genes: CHD3 (chromodomain helicase DNA binding protein 3; plus strand), NAA38 (N-alpha-acetyltransferase 38, NatC auxiliary subunit; minus strand). Cytogenetic location: 17p13.1.
Variant type: Microsatellite.
Coding change: c.222GCC[4] on transcript NM_001005271.3; four copies in a row of the 3-base unit GCC starting at c.222; the reference has seven copies in a row; three copies, 9 bases deleted.
Protein change: p.Pro80_Pro82del.
Molecular consequence: inframe deletion. On other transcripts: intron variant (1).
Genome position (GRCh38, 1-based): chr17:7,885,040-7,885,048, GCCGCCGCC deleted; deleting any 9 consecutive bases within chr17:7,885,026-7,885,048 gives the same sequence; the position shown is the placement nearest the transcript's 3' end. VCF-style (leftmost placement, unchanged base first): chr17-7885025-CCCGCCGCCG-C. GRCh37 (hg19) VCF-style: chr17-7788343-CCCGCCGCCG-C.
Other names: c.222GCC[4], p.Pro80_Pro82del (NM_001437504.1, NM_001437507.1, NM_001437508.1 and 1 more transcripts); c.-167+119CGG[4] (NM_001330111.2).
Identifiers: ClinVar variation 2647420 (VCV002647420.23), dbSNP rs759738955, ClinGen allele CA8362232.
Genomic context (GRCh38, chr17:7,885,025, plus strand): 5'-GCGCGGGCCGGGCCACGACCGGGGCCGCGACCGCCACAGCCCCCCCGGCTGCCACCTCTT[CCCGCCGCCG>C]CCGCCGCCGCCGCCACCGCTGCCCCCGCCGCCGCCGCCCCCGCCGCCAGGTAAGCGCCCG-3'

ClinVar aggregate classification (germline): Likely benign. Review status: criteria provided, multiple submitters, no conflicts (2 of 4 stars). 2 submissions from 2 submitters: Likely benign (2). Last evaluated 2026-07-01.

Submissions (2):

CeGaT Center for Human Genetics Tuebingen
Classification: Likely benign. Last evaluated: 2026-07-01. Review status: criteria provided, single submitter. Criteria: CeGaT Center For Human Genetics Tuebingen Variant Classification Criteria Version 2. Collection method: clinical testing. Allele origin: germline. Affected: yes. Observed: 5 variant alleles.
Comment: CHD3: BS1

Blueprint Genetics
Classification: Likely benign. Last evaluated: 2024-11-27. Review status: criteria provided, single submitter. Criteria: ACMG Guidelines, 2015. Collection method: clinical testing. Allele origin: germline.